The following is an entry in ClinVar:

NM_001197104.2(KMT2A):c.9683G>C (p.Arg3228Pro)

Gene: KMT2A (lysine methyltransferase 2A; plus strand). Cytogenetic location: 11q23.3.
Variant type: single nucleotide variant.
Coding change: c.9683G>C on transcript NM_001197104.2 (MANE Select); coding-DNA position 9683, G replaced by C.
Protein change: p.Arg3228Pro; replaces arginine 3228 with proline.
Molecular consequence: missense variant.
Genome position (GRCh38, 1-based): chr11:118,505,575, G>C. VCF-style: chr11-118505575-G-C. GRCh37 (hg19) VCF-style: chr11-118376290-G-C.
Other names: c.9773G>C, p.Arg3258Pro (NM_001412597.1); c.9674G>C, p.Arg3225Pro (NM_005933.4); short protein forms R3225P, R3228P, R3258P.
Identifiers: ClinVar variation 4800579 (VCV004800579.1).

ClinVar aggregate classification (germline): Uncertain significance (1 of 4 stars; one submission).

Submission:

Labcorp Genetics (formerly Invitae), Labcorp
Classification: Uncertain significance. Last evaluated: 2025-12-22. Review status: criteria provided, single submitter. Criteria: Invitae Variant Classification Sherloc (09022015). Collection method: clinical testing. Allele origin: germline.
Comment: This sequence change replaces arginine, which is basic and polar, with proline, which is neutral and non-polar, at codon 3228 of the KMT2A protein (p.Arg3228Pro). This variant is not present in population databases (gnomAD no frequency). This variant has not been reported in the literature in individuals affected with KMT2A-related conditions. Invitae Evidence Modeling of protein sequence and biophysical properties (such as structural, functional, and spatial information, amino acid conservation, physicochemical variation, residue mobility, and thermodynamic stability) has been performed for this missense variant. However, the output from this modeling did not meet the statistical confidence thresholds required to predict the impact of this variant on KMT2A protein function. In summary, the available evidence is currently insufficient to determine the role of this variant in disease. Therefore, it has been classified as a Variant of Uncertain Significance.